The following is an entry in ClinVar:

ClinVar aggregate classification (germline): Uncertain significance. Review status: criteria provided, multiple submitters, no conflicts (2 of 4 stars). 2 submissions from 2 submitters: Uncertain significance (2). Last evaluated 2023-12-12.

Conditions:
Inborn genetic diseases. Identifiers: MedGen C0950123, MeSH D030342.
Progressive myoclonic epilepsy. Also called: Myoclonic Epilepsies, Progressive; Familial progressive myoclonic epilepsy; Myoclonus epilepsy; Progressive myoclonus epilepsy. Identifiers: Orphanet 308, Orphanet 98261, MedGen C0751778, MONDO:0020074.

Allele frequency attached by ClinVar (database versions not stated): gnomAD exomes below 0.00001.
gnomAD v4.1: 3 of 1,611,548 alleles (0.00019%); highest among the groups gnomAD compares: Non-Finnish European, 0.00017%; no homozygotes.

Submissions (2):

Ambry Genetics
Classification: Uncertain significance for Inborn genetic diseases. Last evaluated: 2023-12-12. Review status: criteria provided, single submitter. Criteria: Ambry Variant Classification Scheme 2023. Collection method: clinical testing. Allele origin: germline.

Labcorp Genetics (formerly Invitae), Labcorp
Classification: Uncertain significance for Progressive myoclonic epilepsy. Last evaluated: 2019-06-15. Review status: criteria provided, single submitter. Criteria: Invitae Variant Classification Sherloc (09022015). Collection method: clinical testing. Allele origin: germline.
Comment: This sequence change replaces threonine with isoleucine at codon 47 of the SCARB2 protein (p.Thr47Ile). The threonine residue is weakly conserved and there is a moderate physicochemical difference between threonine and isoleucine. This variant is not present in population databases (ExAC no frequency). This variant has not been reported in the literature in individuals with SCARB2-related conditions. Algorithms developed to predict the effect of missense changes on protein structure and function are either unavailable or do not agree on the potential impact of this missense change (SIFT: "Deleterious"; PolyPhen-2: "Possibly Damaging"; Align-GVGD: "Class C15"). In summary, the available evidence is currently insufficient to determine the role of this variant in disease. Therefore, it has been classified as a Variant of Uncertain Significance.

NM_005506.4(SCARB2):c.140C>T (p.Thr47Ile)

Gene: SCARB2 (scavenger receptor class B member 2; minus strand). Cytogenetic location: 4q21.1.
Variant type: single nucleotide variant.
Coding change: c.140C>T on transcript NM_005506.4 (MANE Select); coding-DNA position 140, C replaced by T.
Protein change: p.Thr47Ile; replaces threonine 47 with isoleucine.
Molecular consequence: missense variant.
Genome position (GRCh38, 1-based): chr4:76,195,842, G>A on the plus strand (C>T on the coding strand, the complement: SCARB2 is on the minus strand). VCF-style: chr4-76195842-G-A. GRCh37 (hg19) VCF-style: chr4-77116995-G-A.
Other names: c.140C>T, p.Thr47Ile (NM_001204255.2); short protein forms T47I.
Identifiers: ClinVar variation 945718 (VCV000945718.10), dbSNP rs1732700794, ClinGen allele CA357327718.
Genomic context (GRCh38, chr4:76,195,842, plus strand): 5'-AAGAAATAGAACTGAGTATACACAGGCAGAGGGGGCTTCTCCCAGGAGTCAAATGCCTCA[G>A]TACCATTCCTTAACACAATTTTCTAGGAAAAAACCAAAAGGAGATTTACAAAAATGTAAG-3'
Protein context (NP_005497.1, residues 37-57): IEKKIVLRNG[Thr47Ile]EAFDSWEKPP